The following is an entry in ClinVar:

NM_000426.4(LAMA2):c.3168T>C (p.Gly1056=)

Gene: LAMA2 (laminin subunit alpha 2; plus strand). Cytogenetic location: 6q22.33.
Variant type: single nucleotide variant.
Coding change: c.3168T>C on transcript NM_000426.4 (MANE Select); coding-DNA position 3168, T replaced by C.
Protein change: p.Gly1056=; no amino-acid change (glycine 1056 retained).
Molecular consequence: synonymous variant.
Genome position (GRCh38, 1-based): chr6:129,300,866, T>C. VCF-style: chr6-129300866-T-C. GRCh37 (hg19) VCF-style: chr6-129622011-T-C.
Other names: c.3168T>C, p.Gly1056= (NM_001079823.2).
Identifiers: ClinVar variation 3046875 (VCV003046875.2), dbSNP rs2482348915, ClinGen allele CA451936476.

ClinVar aggregate classification (germline): Likely benign (0 of 4 stars; one submission).

Conditions:
LAMA2-related disorder. Also called: LAMA2-related disorders; LAMA2-related condition.

Allele frequency attached by ClinVar (database versions not stated): gnomAD exomes below 0.00001.
gnomAD v4.1: 2 of 1,613,780 alleles (0.00012%); highest among the groups gnomAD compares: Non-Finnish European, 0.00017%; no homozygotes.

Submission:

PreventionGenetics, part of Exact Sciences
Classification: Likely benign for LAMA2-related condition. Last evaluated: 2022-03-03. Review status: no assertion criteria provided. Collection method: clinical testing. Allele origin: germline.
Comment: This variant is classified as likely benign based on ACMG/AMP sequence variant interpretation guidelines (Richards et al. 2015 PMID: 25741868, with internal and published modifications).